The following is an entry in ClinVar:

ClinVar aggregate classification (germline): Uncertain significance (1 of 4 stars; one submission).

Conditions:
Inborn genetic diseases. Identifiers: MedGen C0950123, MeSH D030342.

Submission:

Ambry Genetics
Classification: Uncertain significance for Inborn genetic diseases. Last evaluated: 2025-09-10. Review status: criteria provided, single submitter. Criteria: Ambry Variant Classification Scheme 2023. Collection method: clinical testing. Allele origin: germline.
Comment: The p.N978K variant (also known as c.2934T>A), located in coding exon 14 of the FANCM gene, results from a T to A substitution at nucleotide position 2934. The asparagine at codon 978 is replaced by lysine, an amino acid with similar properties. This amino acid position is conserved. In addition, this alteration is predicted to be tolerated by in silico analysis. Based on the available evidence, the clinical significance of this variant remains unclear.

NM_020937.4(FANCM):c.2934T>A (p.Asn978Lys)

Gene: FANCM (FA complementation group M; plus strand). Cytogenetic location: 14q21.2.
Variant type: single nucleotide variant.
Coding change: c.2934T>A on transcript NM_020937.4 (MANE Select); coding-DNA position 2934, T replaced by A.
Protein change: p.Asn978Lys; replaces asparagine 978 with lysine.
Molecular consequence: missense variant.
Genome position (GRCh38, 1-based): chr14:45,175,688, T>A. VCF-style: chr14-45175688-T-A. GRCh37 (hg19) VCF-style: chr14-45644891-T-A.
Other names: c.2856T>A, p.Asn952Lys (NM_001308133.2); short protein forms N978K, N952K.
Identifiers: ClinVar variation 4254746 (VCV004254746.1).